The following is an entry in ClinVar:

ClinVar aggregate classification (germline): Likely pathogenic (3 of 4 stars; one submission).

Conditions:
Overgrowth syndrome and/or cerebral malformations due to abnormalities in MTOR pathway genes. Identifiers: MedGen CN300503, MONDO:0100283.

Submission:

ClinGen Brain Malformations Variant Curation Expert Panel
Classification: Likely pathogenic for Overgrowth syndrome and/or cerebral malformations due to abnormalities in MTOR pathway genes. Last evaluated: 2025-06-06. Review status: reviewed by expert panel. Criteria: ClinGen BrainMalform ACMG Specifications V1.1.0. Collection method: curation. Allele origin: germline. Inheritance: Autosomal dominant inheritance.
Comment: The NM_004958.4:c.5005G>T variant in MTOR is a missense variant predicted to cause substitution of alanine by serine at amino acid 1669. This variant is absent from gnomAD v4.1.0 (PM2_Supporting). MTOR, in which the variant was identified, is defined by the ClinGen Brain Malformations Variant Curation Expert Panel (BM VCEP) as a gene that has a low rate of benign missense variation and where pathogenic missense variants are a common mechanism of disease (PP2). This variant resides within the focal adhesion kinase targeting domain of MTOR that is defined as a critical functional domain by the ClinGen BM VCEP (PM1_Supporting; PMIDs: 23322780, 27482884, 21210909). This variant has been identified in one patient with diffuse cortical dysplasia (PS4_Supporting, PMID: 25599672). In this patient, the variant was present at an alternate allele frequency of 44% in the brain but was not detectable in blood (PS2_Moderate). In summary, this variant meets the criteria to be classified as likely pathogenic for overgrowth syndrome and/or cerebral malformations due to abnormalities in MTOR pathway genes based on the ACMG/AMP criteria applied, as specified by the ClinGen BM VCEP Panel: PM2_Supporting, PP2, PM1_Supporting, PS4_Supporting, PS2_Moderate (ClinGen Brain Malformations VCEP Specifications Version 1.1).

NM_004958.4(MTOR):c.5005G>T (p.Ala1669Ser)

Gene: MTOR (mechanistic target of rapamycin kinase; minus strand). Cytogenetic location: 1p36.22.
Variant type: single nucleotide variant.
Coding change: c.5005G>T on transcript NM_004958.4 (MANE Select); coding-DNA position 5005, G replaced by T.
Protein change: p.Ala1669Ser; replaces alanine 1669 with serine.
Molecular consequence: missense variant.
Genome position (GRCh38, 1-based): chr1:11,139,429, C>A on the plus strand (G>T on the coding strand, the complement: MTOR is on the minus strand). VCF-style: chr1-11139429-C-A. GRCh37 (hg19) VCF-style: chr1-11199486-C-A.
Other names: NM_004958.3:c.5005G>T; NM_004958.4(MTOR):c.5005G>T; p.Ala1669Ser; c.5005G>T, p.Ala1669Ser (NM_001386500.1); c.3757G>T, p.Ala1253Ser (NM_001386501.1); short protein forms A1253S, A1669S.
Identifiers: ClinVar variation 1296997 (VCV001296997.5), dbSNP rs2100477650, ClinGen allele CA338402061.